The following is an entry in ClinVar:

ClinVar aggregate classification (germline): Uncertain significance (1 of 4 stars; one submission).

Submission:

Labcorp Genetics (formerly Invitae), Labcorp
Classification: Uncertain significance. Last evaluated: 2022-11-28. Review status: criteria provided, single submitter. Criteria: Invitae Variant Classification Sherloc (09022015). Collection method: clinical testing. Allele origin: germline.
Comment: In summary, the available evidence is currently insufficient to determine the role of this variant in disease. Therefore, it has been classified as a Variant of Uncertain Significance. Algorithms developed to predict the effect of missense changes on protein structure and function (SIFT, PolyPhen-2, Align-GVGD) all suggest that this variant is likely to be tolerated. ClinVar contains an entry for this variant (Variation ID: 1020990). This variant has not been reported in the literature in individuals affected with PCARE-related conditions. This variant is not present in population databases (gnomAD no frequency). This sequence change replaces proline, which is neutral and non-polar, with leucine, which is neutral and non-polar, at codon 872 of the PCARE protein (p.Pro872Leu).

NM_001029883.3(PCARE):c.2615C>T (p.Pro872Leu)

Gene: PCARE (photoreceptor cilium actin regulator; minus strand). Cytogenetic location: 2p23.2.
Variant type: single nucleotide variant.
Coding change: c.2615C>T on transcript NM_001029883.3 (MANE Select); coding-DNA position 2615, C replaced by T.
Protein change: p.Pro872Leu; replaces proline 872 with leucine.
Molecular consequence: missense variant.
Genome position (GRCh38, 1-based): chr2:29,071,647, G>A on the plus strand (C>T on the coding strand, the complement: PCARE is on the minus strand). VCF-style: chr2-29071647-G-A. GRCh37 (hg19) VCF-style: chr2-29294513-G-A.
Other names: short protein forms P872L.
Identifiers: ClinVar variation 1020990 (VCV001020990.8), dbSNP rs1667487026, ClinGen allele CA346476989.